The following is an entry in ClinVar:

ClinVar aggregate classification (germline): Uncertain significance (1 of 4 stars; one submission).

Submission:

Dasa
Classification: Uncertain significance. Last evaluated: 2025-08-21. Review status: criteria provided, single submitter. Criteria: DASA Assertion Criteria. Collection method: clinical testing. Allele origin: germline.
Comment: NM_000334.4(SCN4A):c.1873A>G (p.Met625Val) is a missense variant that results in the substitution of methionine with valine. This variant is absent from population databases. Computational prediction algorithms are consistent with a deleterious effect. The currently available literature and clinical evidence are not sufficient to establish a definitive association between this variant and the reported condition. Therefore, this variant is classified as a variant of uncertain significance.

NM_000334.4(SCN4A):c.1873A>G (p.Met625Val)

Gene: SCN4A (sodium voltage-gated channel alpha subunit 4; minus strand). Cytogenetic location: 17q23.3.
Variant type: single nucleotide variant.
Coding change: c.1873A>G on transcript NM_000334.4 (MANE Select); coding-DNA position 1873, A replaced by G.
Protein change: p.Met625Val; replaces methionine 625 with valine.
Molecular consequence: missense variant.
Genome position (GRCh38, 1-based): chr17:63,959,411, T>C on the plus strand (A>G on the coding strand, the complement: SCN4A is on the minus strand). VCF-style: chr17-63959411-T-C. GRCh37 (hg19) VCF-style: chr17-62036771-T-C.
Other names: short protein forms M625V.
Identifiers: ClinVar variation 4883486 (VCV004883486.2).